The following is an entry in ClinVar:

NM_020987.5(ANK3):c.9556C>A (p.Pro3186Thr)

Gene: ANK3 (ankyrin 3; minus strand). Cytogenetic location: 10q21.2.
Variant type: single nucleotide variant.
Coding change: c.9556C>A on transcript NM_020987.5 (MANE Select); coding-DNA position 9556, C replaced by A.
Protein change: p.Pro3186Thr; replaces proline 3186 with threonine.
Molecular consequence: missense variant. On other transcripts: intron variant (4).
Genome position (GRCh38, 1-based): chr10:60,071,325, G>T on the plus strand (C>A on the coding strand, the complement: ANK3 is on the minus strand). VCF-style: chr10-60071325-G-T. GRCh37 (hg19) VCF-style: chr10-61831083-G-T.
Other names: c.4388-3316C>A (NM_001204403.2); c.4409-3316C>A (NM_001204404.2); c.4406-3316C>A (NM_001320874.2); c.1808-3316C>A (NM_001149.4); short protein forms P3186T.
Identifiers: ClinVar variation 1373012 (VCV001373012.6), dbSNP rs2082650574, ClinGen allele CA377002914.
Genomic context (GRCh38, chr10:60,071,325, plus strand): 5'-CCTCAGAAACCTCGGGAATTGGGCTGGGTTTGCCTGGTATATAAGCTATGAGCGAGTCAG[G>T]TGTCTTAGATGTAAATTCATAACTCACTTCCTCTGAACTGGGTGTTTCTGGGGTTAAAGG-3'
Protein context (NP_066267.2, residues 3176-3196): EVSYEFTSKT[Pro3186Thr]DSLIAYIPGK

ClinVar aggregate classification (germline): Uncertain significance (1 of 4 stars; one submission).

Allele frequency attached by ClinVar (database versions not stated): TOPMed below 0.00001.

Submission:

Labcorp Genetics (formerly Invitae), Labcorp
Classification: Uncertain significance. Last evaluated: 2022-03-04. Review status: criteria provided, single submitter. Criteria: Invitae Variant Classification Sherloc (09022015). Collection method: clinical testing. Allele origin: germline.
Comment: This variant is not present in population databases (gnomAD no frequency). This sequence change replaces proline with threonine at codon 3186 of the ANK3 protein (p.Pro3186Thr). The proline residue is weakly conserved and there is a small physicochemical difference between proline and threonine. This variant has not been reported in the literature in individuals affected with ANK3-related conditions. In summary, the available evidence is currently insufficient to determine the role of this variant in disease. Therefore, it has been classified as a Variant of Uncertain Significance. Algorithms developed to predict the effect of missense changes on protein structure and function are either unavailable or do not agree on the potential impact of this missense change (SIFT: "Not Available"; PolyPhen-2: "Probably Damaging"; Align-GVGD: "Not Available").